The following is an entry in ClinVar:

NM_005732.4(RAD50):c.631A>C (p.Lys211Gln)

Gene: RAD50 (RAD50 double strand break repair protein; plus strand). Cytogenetic location: 5q31.1.
Variant type: single nucleotide variant.
Coding change: c.631A>C on transcript NM_005732.4 (MANE Select); coding-DNA position 631, A replaced by C.
Protein change: p.Lys211Gln; replaces lysine 211 with glutamine.
Molecular consequence: missense variant.
Genome position (GRCh38, 1-based): chr5:132,579,941, A>C. VCF-style: chr5-132579941-A-C. GRCh37 (hg19) VCF-style: chr5-131915633-A-C.
Other names: short protein forms K211Q.
Identifiers: ClinVar variation 2799181 (VCV002799181.3), dbSNP rs2479617370, ClinGen allele CA360936027.

ClinVar aggregate classification (germline): Uncertain significance (1 of 4 stars; one submission).

Conditions:
Hereditary cancer-predisposing syndrome. Also called: Hereditary Cancer Syndrome; Neoplastic Syndromes, Hereditary; Tumor predisposition; Hereditary neoplastic syndrome. Identifiers: Orphanet 140162, MedGen C0027672, MeSH D009386, MONDO:0015356.

Submission:

Labcorp Genetics (formerly Invitae), Labcorp
Classification: Uncertain significance for Hereditary cancer-predisposing syndrome. Last evaluated: 2025-02-26. Review status: criteria provided, single submitter. Criteria: Invitae Variant Classification Sherloc (09022015). Collection method: clinical testing. Allele origin: germline.
Comment: This sequence change replaces lysine, which is basic and polar, with glutamine, which is neutral and polar, at codon 211 of the RAD50 protein (p.Lys211Gln). This variant is not present in population databases (gnomAD no frequency). This variant has not been reported in the literature in individuals affected with RAD50-related conditions. ClinVar contains an entry for this variant (Variation ID: 2799181). Invitae Evidence Modeling of protein sequence and biophysical properties (such as structural, functional, and spatial information, amino acid conservation, physicochemical variation, residue mobility, and thermodynamic stability) has been performed for this missense variant. However, the output from this modeling did not meet the statistical confidence thresholds required to predict the impact of this variant on RAD50 protein function. In summary, the available evidence is currently insufficient to determine the role of this variant in disease. Therefore, it has been classified as a Variant of Uncertain Significance.